The following is an entry in ClinVar:

NM_006397.3(RNASEH2A):c.219G>C (p.Glu73Asp)

Gene: RNASEH2A (ribonuclease H2 subunit A; plus strand). Cytogenetic location: 19p13.13.
Variant type: single nucleotide variant.
Coding change: c.219G>C on transcript NM_006397.3 (MANE Select); coding-DNA position 219, G replaced by C.
Protein change: p.Glu73Asp; replaces glutamic acid 73 with aspartic acid.
Molecular consequence: missense variant.
Genome position (GRCh38, 1-based): chr19:12,807,225, G>C. VCF-style: chr19-12807225-G-C. GRCh37 (hg19) VCF-style: chr19-12918039-G-C.
Other names: short protein forms E73D.
Identifiers: ClinVar variation 1510705 (VCV001510705.7), dbSNP rs754532258, ClinGen allele CA404264692.

ClinVar aggregate classification (germline): Uncertain significance. Review status: criteria provided, multiple submitters, no conflicts (2 of 4 stars). 2 submissions from 2 submitters: Uncertain significance (2). Last evaluated 2025-10-24.

Conditions:
Aicardi-Goutieres syndrome 4. Identifiers: Orphanet 51, MedGen C1835912, MONDO:0012472, OMIM 610333.

Allele frequency attached by ClinVar (database versions not stated): gnomAD exomes below 0.00001.
gnomAD v4.1: 4 of 1,614,204 alleles (0.00025%); highest among the groups gnomAD compares: Middle Eastern, 0.016%; no homozygotes.

Submissions (2):

Labcorp Genetics (formerly Invitae), Labcorp
Classification: Uncertain significance for Aicardi-Goutieres syndrome 4. Last evaluated: 2025-10-24. Review status: criteria provided, single submitter. Criteria: Invitae Variant Classification Sherloc (09022015). Collection method: clinical testing. Allele origin: germline.
Comment: This sequence change replaces glutamic acid, which is acidic and polar, with aspartic acid, which is acidic and polar, at codon 73 of the RNASEH2A protein (p.Glu73Asp). This variant is not present in population databases (gnomAD no frequency). This variant has not been reported in the literature in individuals affected with RNASEH2A-related conditions. ClinVar contains an entry for this variant (Variation ID: 1510705). Invitae Evidence Modeling of protein sequence and biophysical properties (such as structural, functional, and spatial information, amino acid conservation, physicochemical variation, residue mobility, and thermodynamic stability) indicates that this missense variant is not expected to disrupt RNASEH2A protein function with a negative predictive value of 80%. In summary, the available evidence is currently insufficient to determine the role of this variant in disease. Therefore, it has been classified as a Variant of Uncertain Significance.

Blueprint Genetics
Classification: Uncertain significance. Last evaluated: 2022-12-05. Review status: criteria provided, single submitter. Criteria: ACMG Guidelines, 2015. Collection method: clinical testing. Allele origin: germline.